The following is an entry in ClinVar:

NM_000338.3(SLC12A1):c.1630C>A (p.Pro544Thr)

Gene: SLC12A1 (solute carrier family 12 member 1; plus strand). Cytogenetic location: 15q21.1.
Variant type: single nucleotide variant.
Coding change: c.1630C>A on transcript NM_000338.3 (MANE Select); coding-DNA position 1630, C replaced by A.
Protein change: p.Pro544Thr; replaces proline 544 with threonine.
Molecular consequence: missense variant.
Genome position (GRCh38, 1-based): chr15:48,247,406, C>A. VCF-style: chr15-48247406-C-A. GRCh37 (hg19) VCF-style: chr15-48539603-C-A.
Other names: c.1630C>A, p.Pro544Thr (NM_001184832.2, NM_001384136.1); short protein forms P544T.
Identifiers: ClinVar variation 4805806 (VCV004805806.1).
Genomic context (GRCh38, chr15:48,247,406, plus strand): 5'-AAGGACAACATCTACAAAGCCCTGCAGTTTTTTGCAAAGGGATATGGGAAAAACAATGAA[C>A]CCCTGAGAGGATATATTCTCACTTTTCTTATAGCCATGGCATTTATTCTTATTGGTTTGT-3'
Protein context (NP_000329.2, residues 534-554): FAKGYGKNNE[Pro544Thr]LRGYILTFLI

ClinVar aggregate classification (germline): Likely pathogenic (1 of 4 stars; one submission).

gnomAD v4.1: 4 of 1,610,200 alleles (0.00025%); highest among the groups gnomAD compares: Non-Finnish European, 0.00034%; no homozygotes.

Submission:

Labcorp Genetics (formerly Invitae), Labcorp
Classification: Likely pathogenic. Last evaluated: 2025-09-10. Review status: criteria provided, single submitter. Criteria: Invitae Variant Classification Sherloc (09022015). Collection method: clinical testing. Allele origin: germline.
Comment: This sequence change replaces proline, which is neutral and non-polar, with threonine, which is neutral and polar, at codon 544 of the SLC12A1 protein (p.Pro544Thr). This variant is not present in population databases (gnomAD no frequency). This missense change has been observed in individual(s) with Bartter syndrome (PMID: 35358470). In at least one individual the data is consistent with being in trans (on the opposite chromosome) from a pathogenic variant. Invitae Evidence Modeling of protein sequence and biophysical properties (such as structural, functional, and spatial information, amino acid conservation, physicochemical variation, residue mobility, and thermodynamic stability) indicates that this missense variant is expected to disrupt SLC12A1 protein function with a positive predictive value of 95%. This variant disrupts the p.Pro544 amino acid residue in SLC12A1. Other variant(s) that disrupt this residue have been observed in individuals with SLC12A1-related conditions (PMID: 20219833, 35628451), which suggests that this may be a clinically significant amino acid residue. In summary, the currently available evidence indicates that the variant is pathogenic, but additional data are needed to prove that conclusively. Therefore, this variant has been classified as Likely Pathogenic.

Literature cited by the submitters: PubMed 35358470; PubMed 20219833; PubMed 35628451.